The following is an entry in ClinVar:

ClinVar aggregate classification (germline): Uncertain significance (1 of 4 stars; one submission).

Conditions:
Dyskeratosis congenita. Identifiers: Orphanet 1775, MedGen C0265965, MONDO:0015780.

Submission:

Labcorp Genetics (formerly Invitae), Labcorp
Classification: Uncertain significance for Dyskeratosis congenita. Last evaluated: 2024-04-29. Review status: criteria provided, single submitter. Criteria: Invitae Variant Classification Sherloc (09022015). Collection method: clinical testing. Allele origin: germline.
Comment: This sequence change replaces serine, which is neutral and polar, with glycine, which is neutral and non-polar, at codon 208 of the CTC1 protein (p.Ser208Gly). This variant is not present in population databases (gnomAD no frequency). This variant has not been reported in the literature in individuals affected with CTC1-related conditions. Advanced modeling of protein sequence and biophysical properties (such as structural, functional, and spatial information, amino acid conservation, physicochemical variation, residue mobility, and thermodynamic stability) performed at Invitae indicates that this missense variant is not expected to disrupt CTC1 protein function with a negative predictive value of 80%. In summary, the available evidence is currently insufficient to determine the role of this variant in disease. Therefore, it has been classified as a Variant of Uncertain Significance.

NM_025099.6(CTC1):c.622A>G (p.Ser208Gly)

Gene: CTC1 (CST telomere replication complex component 1; minus strand). Cytogenetic location: 17p13.1.
Variant type: single nucleotide variant.
Coding change: c.622A>G on transcript NM_025099.6 (MANE Select); coding-DNA position 622, A replaced by G.
Protein change: p.Ser208Gly; replaces serine 208 with glycine.
Molecular consequence: missense variant. On other transcripts: non-coding transcript variant (1).
Genome position (GRCh38, 1-based): chr17:8,238,056, T>C on the plus strand (A>G on the coding strand, the complement: CTC1 is on the minus strand). VCF-style: chr17-8238056-T-C. GRCh37 (hg19) VCF-style: chr17-8141374-T-C.
Other names: c.622A>G, p.Ser208Gly (NM_001411067.1); short protein forms S208G.
Identifiers: ClinVar variation 2881064 (VCV002881064.3), dbSNP rs1987898156, ClinGen allele CA397992316.